The following is an entry in ClinVar:

NM_138694.4(PKHD1):c.2932C>T (p.Gln978Ter)

Gene: PKHD1 (PKHD1 ciliary IPT domain containing fibrocystin/polyductin; minus strand). Cytogenetic location: 6p12.2.
Variant type: single nucleotide variant.
Coding change: c.2932C>T on transcript NM_138694.4 (MANE Select); coding-DNA position 2932, C replaced by T.
Protein change: p.Gln978Ter; replaces glutamine 978 with a stop codon.
Molecular consequence: nonsense.
Genome position (GRCh38, 1-based): chr6:52,043,024, G>A on the plus strand (C>T on the coding strand, the complement: PKHD1 is on the minus strand). VCF-style: chr6-52043024-G-A. GRCh37 (hg19) VCF-style: chr6-51907822-G-A.
Other names: c.2932C>T, p.Gln978Ter (NM_170724.3); short protein forms Q978*.
Identifiers: ClinVar variation 5014879 (VCV005014879.1).

ClinVar aggregate classification (germline): Pathogenic (1 of 4 stars; one submission).

Conditions:
Polycystic kidney disease 4 (PKD4). Also called: PKD3; Autosomal Recessive Polycystic Kidney Disease – PKHD1; POLYCYSTIC KIDNEY AND HEPATIC DISEASE 1; POLYCYSTIC KIDNEY DISEASE, INFANTILE, TYPE I; POLYCYSTIC KIDNEY DISEASE 4 WITH OR WITHOUT POLYCYSTIC LIVER DISEASE. Identifiers: MedGen C4540575, MONDO:0033004, OMIM 263200.

Submission:

Myriad Genetics, Inc.
Classification: Pathogenic for Polycystic kidney disease 4. Last evaluated: 2025-08-18. Review status: criteria provided, single submitter. Criteria: Myriad Autosomal Dominant, Autosomal Recessive and X-Linked Classification Criteria (2023). Collection method: clinical testing. Allele origin: unknown.
Comment: NM_138694.3(PKHD1):c.2932C>T(Q978*) is expected to be pathogenic in the context of autosomal recessive polycystic kidney disease, PKHD1-related. This variant is predicted to lead to an abnormal or absent protein product due to the creation of a premature termination codon in PKHD1, a gene where loss-of-function variants are known to be pathogenic. Please note: this variant was assessed in the context of healthy population screening.